The following is an entry in ClinVar:

NM_001148.6(ANK2):c.8425A>G (p.Lys2809Glu)

Gene: ANK2 (ankyrin 2; plus strand). Cytogenetic location: 4q26.
Variant type: single nucleotide variant.
Coding change: c.8425A>G on transcript NM_001148.6 (MANE Select); coding-DNA position 8425, A replaced by G.
Protein change: p.Lys2809Glu; replaces lysine 2809 with glutamic acid.
Molecular consequence: missense variant. On other transcripts: intron variant (68).
Genome position (GRCh38, 1-based): chr4:113,357,043, A>G. VCF-style: chr4-113357043-A-G. GRCh37 (hg19) VCF-style: chr4-114278199-A-G.
Other names: c.4271-3780A>G (NM_001386160.1); c.4376-3780A>G (NM_001354254.2); c.4397-3780A>G (NM_001354239.2, NM_001354252.2); c.4298-3780A>G (NM_001354272.2); c.4361-3780A>G (NM_001354244.2, NM_001354256.2, NM_001386161.1); c.4400-3780A>G (NM_001127493.3); c.4364-3780A>G (NM_001386143.1, NM_001354243.2, NM_001354255.2); c.4265-3780A>G (NM_001354262.2, NM_001354275.2, NM_001354245.2); and 35 more; short protein forms K2809E, K2848E, K1609E, K2731E, K2856E.
Identifiers: ClinVar variation 5021986 (VCV005021986.1).

ClinVar aggregate classification (germline): Uncertain significance (1 of 4 stars; one submission).

Conditions:
Cardiovascular phenotype. Identifiers: MedGen CN230736.

gnomAD v4.1: 2 of 1,613,972 alleles (0.00012%); highest among the groups gnomAD compares: East Asian, 0.0022%; no homozygotes.

Submission:

Ambry Genetics
Classification: Uncertain significance for Cardiovascular phenotype. Last evaluated: 2026-07-21. Review status: criteria provided, single submitter. Criteria: Ambry Variant Classification Scheme 2023. Collection method: clinical testing. Allele origin: germline.
Comment: The p.K2809E variant (also known as c.8425A>G), located in coding exon 38 of the ANK2 gene, results from an A to G substitution at nucleotide position 8425. The lysine at codon 2809 is replaced by glutamic acid, an amino acid with similar properties. This amino acid position is conserved. In addition, this alteration is predicted to be tolerated by in silico analysis. Based on the available evidence, the clinical significance of this variant remains unclear.